The following is an entry in ClinVar:

NM_000587.4(C7):c.2402G>A (p.Gly801Glu)

Gene: C7 (complement C7; plus strand). Cytogenetic location: 5p13.1.
Variant type: single nucleotide variant.
Coding change: c.2402G>A on transcript NM_000587.4 (MANE Select); coding-DNA position 2402, G replaced by A.
Protein change: p.Gly801Glu; replaces glycine 801 with glutamic acid.
Molecular consequence: missense variant.
Genome position (GRCh38, 1-based): chr5:40,981,443, G>A. VCF-style: chr5-40981443-G-A. GRCh37 (hg19) VCF-style: chr5-40981545-G-A.
Other names: c.2402G>A (NM_000587.2); short protein forms G801E.
Identifiers: ClinVar variation 1386209 (VCV001386209.5), dbSNP rs199592002, ClinGen allele CA3250302.
Genomic context (GRCh38, chr5:40,981,443, plus strand): 5'-CTTTTCCAGCTGAGAGCAGCAAATGTGTCTGCCGAGAAGCATCGGAGTGCGAGGAAGAAG[G>A]GTTTAGCATTTGTGTGGAAGTGAACGGCAAGGAGCAGACGATGTCTGAGTGTGAGGCGGG-3'
Protein context (NP_000578.2, residues 791-811): CREASECEEE[Gly801Glu]FSICVEVNGK

ClinVar aggregate classification (germline): Uncertain significance. Review status: criteria provided, multiple submitters, no conflicts (2 of 4 stars). 2 submissions from 2 submitters: Uncertain significance (2). Last evaluated 2024-10-29.

Conditions:
Inborn genetic diseases. Identifiers: MedGen C0950123, MeSH D030342.

Allele frequency attached by ClinVar (database versions not stated): gnomAD 0.00009; TOPMed 0.00009; gnomAD exomes 0.00010 and 0.00018; ExAC 0.00014; ESP Exome Variant Server 0.00024.
gnomAD v4.1: 276 of 1,613,536 alleles (0.017%); highest among the groups gnomAD compares: Non-Finnish European, 0.022%; no homozygotes.

Submissions (2):

Labcorp Genetics (formerly Invitae), Labcorp
Classification: Uncertain significance. Last evaluated: 2024-10-29. Review status: criteria provided, single submitter. Criteria: Invitae Variant Classification Sherloc (09022015). Collection method: clinical testing. Allele origin: germline.
Comment: This sequence change replaces glycine, which is neutral and non-polar, with glutamic acid, which is acidic and polar, at codon 801 of the C7 protein (p.Gly801Glu). This variant is present in population databases (rs199592002, gnomAD 0.02%). This variant has not been reported in the literature in individuals affected with C7-related conditions. ClinVar contains an entry for this variant (Variation ID: 1386209). Invitae Evidence Modeling of protein sequence and biophysical properties (such as structural, functional, and spatial information, amino acid conservation, physicochemical variation, residue mobility, and thermodynamic stability) indicates that this missense variant is not expected to disrupt C7 protein function with a negative predictive value of 80%. In summary, the available evidence is currently insufficient to determine the role of this variant in disease. Therefore, it has been classified as a Variant of Uncertain Significance.

Ambry Genetics
Classification: Uncertain significance for Inborn genetic diseases. Last evaluated: 2024-08-05. Review status: criteria provided, single submitter. Criteria: Ambry Variant Classification Scheme 2023. Collection method: clinical testing. Allele origin: germline.